The following is an entry in ClinVar:

NM_001540.5(HSPB1):c.575G>C (p.Gly192Ala)

Gene: HSPB1 (heat shock protein family B (small) member 1; plus strand). Cytogenetic location: 7q11.23.
Variant type: single nucleotide variant.
Coding change: c.575G>C on transcript NM_001540.5 (MANE Select); coding-DNA position 575, G replaced by C.
Protein change: p.Gly192Ala; replaces glycine 192 with alanine.
Molecular consequence: missense variant.
Genome position (GRCh38, 1-based): chr7:76,304,130, G>C. VCF-style: chr7-76304130-G-C. GRCh37 (hg19) VCF-style: chr7-75933447-G-C.
Other names: short protein forms G192A.
Identifiers: ClinVar variation 1749474 (VCV001749474.2), dbSNP rs2536152072, ClinGen allele CA367767301.

ClinVar aggregate classification (germline): Uncertain significance (1 of 4 stars; one submission).

Conditions:
Inborn genetic diseases. Identifiers: MedGen C0950123, MeSH D030342.

Allele frequency attached by ClinVar (database versions not stated): gnomAD exomes below 0.00001.
gnomAD v4.1: 3 of 1,612,574 alleles (0.00019%); highest among the groups gnomAD compares: Non-Finnish European, 0.00025%; no homozygotes.

Submission:

Ambry Genetics
Classification: Uncertain significance for Inborn genetic diseases. Last evaluated: 2020-06-10. Review status: criteria provided, single submitter. Criteria: Ambry Variant Classification Scheme 2023. Collection method: clinical testing. Allele origin: germline.
Comment: The p.G192A variant (also known as c.575G>C), located in coding exon 3 of the HSPB1 gene, results from a G to C substitution at nucleotide position 575. The glycine at codon 192 is replaced by alanine, an amino acid with similar properties. This amino acid position is well conserved in available vertebrate species. In addition, the in silico prediction for this alteration is inconclusive. Since supporting evidence is limited at this time, the clinical significance of this alteration remains unclear.